The following is an entry in ClinVar:

NM_004360.5(CDH1):c.1603A>C (p.Ile535Leu)

Gene: CDH1 (cadherin 1; plus strand). Cytogenetic location: 16q22.1.
Variant type: single nucleotide variant.
Coding change: c.1603A>C on transcript NM_004360.5 (MANE Select); coding-DNA position 1603, A replaced by C.
Protein change: p.Ile535Leu; replaces isoleucine 535 with leucine.
Molecular consequence: missense variant. On other transcripts: intron variant (1).
Genome position (GRCh38, 1-based): chr16:68,819,317, A>C. VCF-style: chr16-68819317-A-C. GRCh37 (hg19) VCF-style: chr16-68853220-A-C.
Other names: c.1603A>C (LRG_301t1); c.1420A>C, p.Ile474Leu (NM_001317184.2); c.55A>C, p.Ile19Leu (NM_001317185.2); c.-254-2684A>C (NM_001317186.2); short protein forms I535L, I19L, I474L.
Identifiers: ClinVar variation 483246 (VCV000483246.20), dbSNP rs144519845, ClinGen allele CA396465015.

ClinVar aggregate classification (germline): Uncertain significance. Review status: criteria provided, multiple submitters, no conflicts (2 of 4 stars). 5 submissions from 5 submitters: Uncertain significance (4). 1 of the submissions does not count toward it. Last evaluated 2024-11-03.

Conditions:
Hereditary cancer-predisposing syndrome. Also called: Hereditary neoplastic syndrome; Neoplastic Syndromes, Hereditary; Tumor predisposition; Hereditary Cancer Syndrome. Identifiers: Orphanet 140162, MedGen C0027672, MeSH D009386, MONDO:0015356.
CDH1-related disorder. Also called: CDH1-related condition.
Hereditary diffuse gastric adenocarcinoma (HDGC). Also called: DIFFUSE GASTRIC AND LOBULAR BREAST CANCER SYNDROME. Identifiers: Orphanet 26106, MedGen C1708349, MONDO:0007648, OMIM 137215.

Allele frequency attached by ClinVar (database versions not stated): TOPMed below 0.00001.

Submissions (5):

Ambry Genetics
Classification: Uncertain significance for Hereditary cancer-predisposing syndrome. Last evaluated: 2024-11-03. Review status: criteria provided, single submitter. Criteria: Ambry Variant Classification Scheme 2023. Collection method: clinical testing. Allele origin: germline.
Comment: The p.I535L variant (also known as c.1603A>C), located in coding exon 11 of the CDH1 gene, results from an A to C substitution at nucleotide position 1603. The isoleucine at codon 535 is replaced by leucine, an amino acid with highly similar properties. This amino acid position is not well conserved in available vertebrate species. In addition, this alteration is predicted to be tolerated by in silico analysis. Since supporting evidence is limited at this time, the clinical significance of this alteration remains unclear.

GeneDx
Classification: Uncertain significance. Last evaluated: 2024-01-05. Review status: criteria provided, single submitter. Criteria: GeneDx Variant Classification Process June 2021. Collection method: clinical testing. Allele origin: germline. Affected: yes.
Comment: Not observed at significant frequency in large population cohorts (gnomAD); In silico analysis supports that this missense variant does not alter protein structure/function; Has not been previously published as pathogenic or benign to our knowledge; This variant is associated with the following publications: (PMID: 15235021, 22850631)

Color Diagnostics, LLC DBA Color Health
Classification: Uncertain significance for Hereditary cancer-predisposing syndrome. Last evaluated: 2023-12-05. Review status: criteria provided, single submitter. Criteria: ACMG Guidelines, 2015. Collection method: clinical testing. Allele origin: germline.
Comment: This missense variant replaces isoleucine with leucine at codon 535 of the CDH1 protein. To our knowledge, functional studies have not been reported for this variant. This variant has not been reported in individuals affected with CDH1-related disorders in the literature. This variant has not been identified in the general population by the Genome Aggregation Database (gnomAD). The available evidence is insufficient to determine the role of this variant in disease conclusively. Therefore, this variant is classified as a Variant of Uncertain Significance.

Labcorp Genetics (formerly Invitae), Labcorp
Classification: Uncertain significance for Hereditary diffuse gastric adenocarcinoma. Last evaluated: 2022-07-25. Review status: criteria provided, single submitter. Criteria: Invitae Variant Classification Sherloc (09022015). Collection method: clinical testing. Allele origin: germline.
Comment: This sequence change replaces isoleucine, which is neutral and non-polar, with leucine, which is neutral and non-polar, at codon 535 of the CDH1 protein (p.Ile535Leu). In summary, the available evidence is currently insufficient to determine the role of this variant in disease. Therefore, it has been classified as a Variant of Uncertain Significance. Algorithms developed to predict the effect of missense changes on protein structure and function are either unavailable or do not agree on the potential impact of this missense change (SIFT: "Tolerated"; PolyPhen-2: "Possibly Damaging"; Align-GVGD: "Class C0"). ClinVar contains an entry for this variant (Variation ID: 483246). This variant has not been reported in the literature in individuals affected with CDH1-related conditions. This variant is not present in population databases (gnomAD no frequency).

PreventionGenetics, part of Exact Sciences
Classification: Uncertain significance for CDH1-related condition. Last evaluated: 2024-08-05. Review status: no assertion criteria provided. Collection method: clinical testing. Allele origin: germline. Not counted in ClinVar's aggregate classification.
Comment: The CDH1 c.1603A>C variant is predicted to result in the amino acid substitution p.Ile535Leu. To our knowledge, this variant has not been reported in the literature or in a large population database, indicating this variant is rare. This variant has an interpretation of uncertain significance in ClinVar. At this time, the clinical significance of this variant is uncertain due to the absence of conclusive functional and genetic evidence.